The following is an entry in ClinVar:

NM_057175.5(NAA15):c.447A>G (p.Ala149=)

Gene: NAA15 (N-alpha-acetyltransferase 15, NatA auxiliary subunit; plus strand). Cytogenetic location: 4q31.1.
Variant type: single nucleotide variant.
Coding change: c.447A>G on transcript NM_057175.5 (MANE Select); coding-DNA position 447, A replaced by G.
Protein change: p.Ala149=; no amino-acid change (alanine 149 retained).
Molecular consequence: synonymous variant.
Genome position (GRCh38, 1-based): chr4:139,342,870, A>G. VCF-style: chr4-139342870-A-G. GRCh37 (hg19) VCF-style: chr4-140264024-A-G.
Other names: c.447A>G, p.Ala149= (NM_001410842.1, NM_025085.2).
Identifiers: ClinVar variation 2081667 (VCV002081667.28), dbSNP rs368817172, ClinGen allele CA3083390.

ClinVar aggregate classification (germline): Likely benign. Review status: criteria provided, multiple submitters, no conflicts (2 of 4 stars). 2 submissions from 2 submitters: Likely benign (2). Last evaluated 2025-03-17.

Allele frequency attached by ClinVar (database versions not stated): ESP Exome Variant Server 0.00008; gnomAD 0.00009; TOPMed 0.00009; gnomAD exomes 0.00010; ExAC 0.00015.
gnomAD v4.1: 160 of 1,613,820 alleles (0.0099%); highest among the groups gnomAD compares: Admixed American, 0.013%; no homozygotes.

Submissions (2):

Labcorp Genetics (formerly Invitae), Labcorp
Classification: Likely benign. Last evaluated: 2025-03-17. Review status: criteria provided, single submitter. Criteria: Invitae Variant Classification Sherloc (09022015). Collection method: clinical testing. Allele origin: germline.

CeGaT Center for Human Genetics Tuebingen
Classification: Likely benign. Last evaluated: 2024-08-01. Review status: criteria provided, single submitter. Criteria: CeGaT Center For Human Genetics Tuebingen Variant Classification Criteria Version 2. Collection method: clinical testing. Allele origin: germline. Affected: yes. Observed: 1 variant allele.
Comment: NAA15: BP4, BP7